The following is an entry in ClinVar:

NM_000219.6(KCNE1):c.52C>A (p.Gln18Lys)

Gene: KCNE1 (potassium voltage-gated channel subfamily E regulatory subunit 1; minus strand). Cytogenetic location: 21q22.12.
Variant type: single nucleotide variant.
Coding change: c.52C>A on transcript NM_000219.6 (MANE Select); coding-DNA position 52, C replaced by A.
Protein change: p.Gln18Lys; replaces glutamine 18 with lysine.
Molecular consequence: missense variant.
Genome position (GRCh38, 1-based): chr21:34,449,583, G>T on the plus strand (C>A on the coding strand, the complement: KCNE1 is on the minus strand). VCF-style: chr21-34449583-G-T. GRCh37 (hg19) VCF-style: chr21-35821881-G-T.
Other names: c.52C>A, p.Gln18Lys (NM_001127668.4, NM_001127669.4, NM_001127670.4 and 4 more transcripts); short protein forms Q18K.
Identifiers: ClinVar variation 3373913 (VCV003373913.2).

Conditions:
Long QT syndrome 5 (LQT5). Identifiers: Orphanet 101016, Orphanet 768, MedGen C1867904, MONDO:0013372, OMIM 613695.

Submission:

Roden Lab, Vanderbilt University Medical Center
No classification provided (evidence only). Condition: Long QT syndrome 5. Review status: no classification provided. Collection method: in vitro. Allele origin: not applicable. Functional consequence: Effect on ion channel function.
ClinVar note: "not provided" was previously submitted as the classification for the variant. However, the classification appeared to be based only on an observation of functional data so it was converted to no classification on 2025-07-30.